The following is an entry in ClinVar:

ClinVar aggregate classification (germline): Conflicting classifications of pathogenicity. Review status: criteria provided, conflicting classifications (1 of 4 stars). 6 submissions from 6 submitters: Uncertain significance (3); Benign (1); Likely benign (1). 1 of the submissions does not count toward it. Last evaluated 2025-05-27.

Conditions:
Autosomal dominant Parkinson disease 8. Also called: LRRK2-Related Parkinson Disease; Parkinson disease 8; Parkinson disease 8, susceptibility to. Identifiers: Orphanet 411602, MedGen C1846862, MONDO:0011764, OMIM 607060.

Allele frequency attached by ClinVar (database versions not stated): gnomAD 0.00004 and 0.00005; ExAC 0.00005; gnomAD exomes 0.00006 and 0.00007; TOPMed 0.00008.
gnomAD v4.1: 117 of 1,612,726 alleles (0.0073%); highest among the groups gnomAD compares: Middle Eastern, 0.23%; no homozygotes.

Submissions (6):

Labcorp Genetics (formerly Invitae), Labcorp
Classification: Uncertain significance for Autosomal dominant Parkinson disease 8. Last evaluated: 2025-05-27. Review status: criteria provided, single submitter. Criteria: Invitae Variant Classification Sherloc (09022015). Collection method: clinical testing. Allele origin: germline.
Comment: This sequence change replaces threonine, which is neutral and polar, with methionine, which is neutral and non-polar, at codon 2310 of the LRRK2 protein (p.Thr2310Met). This variant is present in population databases (rs200002022, gnomAD 0.01%). This missense change has been observed in individual(s) with LRRK2-related conditions (PMID: 23726462, 25174650, 26213354). ClinVar contains an entry for this variant (Variation ID: 236296). Invitae Evidence Modeling of protein sequence and biophysical properties (such as structural, functional, and spatial information, amino acid conservation, physicochemical variation, residue mobility, and thermodynamic stability) indicates that this missense variant is not expected to disrupt LRRK2 protein function with a negative predictive value of 80%. In summary, the available evidence is currently insufficient to determine the role of this variant in disease. Therefore, it has been classified as a Variant of Uncertain Significance.

Fulgent Genetics
Classification: Uncertain significance for Autosomal dominant Parkinson disease 8. Last evaluated: 2024-05-02. Review status: criteria provided, single submitter. Criteria: ACMG Guidelines, 2015. Collection method: clinical testing. Allele origin: germline.

Women's Health and Genetics/Laboratory Corporation of America, LabCorp
Classification: Uncertain significance. Last evaluated: 2024-02-12. Review status: criteria provided, single submitter. Criteria: LabCorp Variant Classification Summary - May 2015. Collection method: clinical testing. Allele origin: germline.
Comment: Variant summary: LRRK2 c.6929C>T (p.Thr2310Met) results in a non-conservative amino acid change in the encoded protein sequence. Three of five in-silico tools predict a benign effect of the variant on protein function. The variant allele was found at a frequency of 6e-05 in 251130 control chromosomes. c.6929C>T has been reported in the literature in individuals affected with Parkinson Disease 8, Autosomal Dominant. These reports do not provide unequivocal conclusions about association of the variant with Parkinson Disease 8, Autosomal Dominant. To our knowledge, no experimental evidence demonstrating an impact on protein function has been reported. The following publications have been ascertained in the context of this evaluation (PMID: 25174650, 22415848, 38137339, 23726462). ClinVar contains an entry for this variant (Variation ID: 236296). Based on the evidence outlined above, the variant was classified as uncertain significance.

CeGaT Center for Human Genetics Tuebingen
Classification: Likely benign. Last evaluated: 2024-01-01. Review status: criteria provided, single submitter. Criteria: CeGaT Center For Human Genetics Tuebingen Variant Classification Criteria Version 2. Collection method: clinical testing. Allele origin: germline. Affected: yes. Observed: 3 variant alleles.
Comment: LRRK2: BP4, BS2

Illumina Laboratory Services, Illumina
Classification: Benign for Autosomal dominant Parkinson disease 8. Last evaluated: 2017-04-28. Review status: criteria provided, single submitter. Criteria: ICSL Variant Classification Criteria 13 December 2019. Collection method: clinical testing. Allele origin: germline.
Comment: This variant was observed as part of a predisposition screen in an ostensibly healthy population. A literature search was performed for the gene, cDNA change, and amino acid change (where applicable). Publications were found based on this search. The evidence from the literature, in combination with allele frequency data from public databases where available, was sufficient to rule this variant out of causing disease. Therefore, this variant is classified as benign.

GeneReviews
Classification: Uncertain significance for Autosomal dominant Parkinson disease 8. Last evaluated: 2014-12-11. Review status: no assertion criteria provided. Collection method: literature only. Allele origin: germline. Affected: yes. Not counted in ClinVar's aggregate classification.

Literature cited by the submitters: PubMed 23726462 (cited by 3 submitters); PubMed 25174650 (cited by Labcorp Genetics (formerly Invitae), Labcorp and Women's Health and Genetics/Laboratory Corporation of America, LabCorp); PubMed 26213354 (cited by Labcorp Genetics (formerly Invitae), Labcorp); PubMed 22415848 (cited by Women's Health and Genetics/Laboratory Corporation of America, LabCorp); PubMed 38137339 (cited by Women's Health and Genetics/Laboratory Corporation of America, LabCorp).

NM_198578.4(LRRK2):c.6929C>T (p.Thr2310Met)

Gene: LRRK2 (leucine rich repeat kinase 2; plus strand). Cytogenetic location: 12q12.
Variant type: single nucleotide variant.
Coding change: c.6929C>T on transcript NM_198578.4 (MANE Select); coding-DNA position 6929, C replaced by T.
Protein change: p.Thr2310Met; replaces threonine 2310 with methionine.
Molecular consequence: missense variant.
Genome position (GRCh38, 1-based): chr12:40,359,345, C>T. VCF-style: chr12-40359345-C-T. GRCh37 (hg19) VCF-style: chr12-40753147-C-T.
Other names: short protein forms T2310M.
Identifiers: ClinVar variation 236296 (VCV000236296.45), dbSNP rs200002022, ClinGen allele CA6514801.